The following is an entry in ClinVar:

NM_001378418.1(TCF20):c.3542C>A (p.Ser1181Tyr)

Gene: TCF20 (transcription factor 20; minus strand). Cytogenetic location: 22q13.2.
Variant type: single nucleotide variant.
Coding change: c.3542C>A on transcript NM_001378418.1 (MANE Select); coding-DNA position 3542, C replaced by A.
Protein change: p.Ser1181Tyr; replaces serine 1181 with tyrosine.
Molecular consequence: missense variant.
Genome position (GRCh38, 1-based): chr22:42,211,764, G>T on the plus strand (C>A on the coding strand, the complement: TCF20 is on the minus strand). VCF-style: chr22-42211764-G-T. GRCh37 (hg19) VCF-style: chr22-42607770-G-T.
Other names: c.3542C>A, p.Ser1181Tyr (NM_005650.4, NM_181492.3); short protein forms S1181Y.
Identifiers: ClinVar variation 2999126 (VCV002999126.3), dbSNP rs764910154, ClinGen allele CA10266810.

ClinVar aggregate classification (germline): Uncertain significance (1 of 4 stars; one submission).

Allele frequency attached by ClinVar (database versions not stated): gnomAD exomes below 0.00001; ExAC 0.00001.
gnomAD v4.1: 2 of 1,614,162 alleles (0.00012%); highest among the groups gnomAD compares: Non-Finnish European, 0.00017%; no homozygotes.

Submission:

Labcorp Genetics (formerly Invitae), Labcorp
Classification: Uncertain significance. Last evaluated: 2023-12-30. Review status: criteria provided, single submitter. Criteria: Invitae Variant Classification Sherloc (09022015). Collection method: clinical testing. Allele origin: germline.
Comment: This sequence change replaces serine, which is neutral and polar, with tyrosine, which is neutral and polar, at codon 1181 of the TCF20 protein (p.Ser1181Tyr). This variant is present in population databases (rs764910154, gnomAD 0.0009%). This variant has not been reported in the literature in individuals affected with TCF20-related conditions. An algorithm developed to predict the effect of missense changes on protein structure and function (PolyPhen-2) suggests that this variant is likely to be tolerated. In summary, the available evidence is currently insufficient to determine the role of this variant in disease. Therefore, it has been classified as a Variant of Uncertain Significance.